The following is an entry in ClinVar:

ClinVar aggregate classification (germline): Likely benign. Review status: criteria provided, multiple submitters, no conflicts (2 of 4 stars). 3 submissions from 3 submitters: Likely benign (2). 1 of the submissions does not count toward it. Last evaluated 2025-12-29.

Conditions:
NDUFV1-related disorder. Also called: NDUFV1-related disorders; NDUFV1-related condition.

Allele frequency attached by ClinVar (database versions not stated): ExAC 0.00002; gnomAD exomes 0.00002; ESP Exome Variant Server 0.00008; gnomAD 0.00009; TOPMed 0.00011; 1000 Genomes Project 0.00020; 1000 Genomes Project 30x 0.00078.
gnomAD v4.1: 32 of 1,614,166 alleles (0.002%); highest among the groups gnomAD compares: African/African-American, 0.04%; no homozygotes.

Submissions (3):

Labcorp Genetics (formerly Invitae), Labcorp
Classification: Likely benign. Last evaluated: 2025-12-29. Review status: criteria provided, single submitter. Criteria: Invitae Variant Classification Sherloc (09022015). Collection method: clinical testing. Allele origin: germline.

Blueprint Genetics
Classification: Likely benign. Last evaluated: 2024-10-30. Review status: criteria provided, single submitter. Criteria: ACMG Guidelines, 2015. Collection method: clinical testing. Allele origin: germline.

PreventionGenetics, part of Exact Sciences
Classification: Likely benign for NDUFV1-related condition. Last evaluated: 2024-06-06. Review status: no assertion criteria provided. Collection method: clinical testing. Allele origin: germline. Not counted in ClinVar's aggregate classification.
Comment: This variant is classified as likely benign based on ACMG/AMP sequence variant interpretation guidelines (Richards et al. 2015 PMID: 25741868, with internal and published modifications).

NM_007103.4(NDUFV1):c.753C>T (p.Ser251=)

Gene: NDUFV1 (NADH:ubiquinone oxidoreductase core subunit V1; plus strand). Cytogenetic location: 11q13.2.
Variant type: single nucleotide variant.
Coding change: c.753C>T on transcript NM_007103.4 (MANE Select); coding-DNA position 753, C replaced by T.
Protein change: p.Ser251=; no amino-acid change (serine 251 retained).
Molecular consequence: synonymous variant.
Genome position (GRCh38, 1-based): chr11:67,611,047, C>T. VCF-style: chr11-67611047-C-T. GRCh37 (hg19) VCF-style: chr11-67378518-C-T.
Other names: c.726C>T, p.Ser242= (NM_001166102.2); c.753C>T (NM_007103.3).
Identifiers: ClinVar variation 1603205 (VCV001603205.11), dbSNP rs146875681, ClinGen allele CA6143276.